The following is an entry in ClinVar:

NM_004991.4(MECOM):c.1957G>A (p.Ala653Thr)

Gene: MECOM (MDS1 and EVI1 complex locus; minus strand). Cytogenetic location: 3q26.2.
Variant type: single nucleotide variant.
Coding change: c.1957G>A on transcript NM_004991.4 (MANE Select); coding-DNA position 1957, G replaced by A.
Protein change: p.Ala653Thr; replaces alanine 653 with threonine.
Molecular consequence: missense variant. On other transcripts: intron variant (2).
Genome position (GRCh38, 1-based): chr3:169,115,915, C>T on the plus strand (G>A on the coding strand, the complement: MECOM is on the minus strand). VCF-style: chr3-169115915-C-T. GRCh37 (hg19) VCF-style: chr3-168833703-C-T.
Other names: c.1588G>A, p.Ala530Thr (NM_001105077.4); c.1393G>A, p.Ala465Thr (NM_001105078.4, NM_001164000.2, NM_001205194.2 and 4 more transcripts); c.1396G>A, p.Ala466Thr (NM_001163999.2, NM_001366467.2, NM_001366468.2 and 1 more transcripts); c.1957G>A, p.Ala653Thr (NM_001366466.2); c.1133-148G>A (NM_001366473.2); c.569-148G>A (NM_001366474.2); short protein forms A653T, A465T, A466T, A530T.
Identifiers: ClinVar variation 3394298 (VCV003394298.1).

ClinVar aggregate classification (germline): Uncertain significance (1 of 4 stars; one submission).

Conditions:
Inborn genetic diseases. Identifiers: MedGen C0950123, MeSH D030342.

Submission:

Ambry Genetics
Classification: Uncertain significance for Inborn genetic diseases. Last evaluated: 2024-11-23. Review status: criteria provided, single submitter. Criteria: Ambry Variant Classification Scheme 2023. Collection method: clinical testing. Allele origin: germline.
Comment: The p.A653T variant (also known as c.1957G>A), located in coding exon 8 of the MECOM gene, results from a G to A substitution at nucleotide position 1957. The alanine at codon 653 is replaced by threonine, an amino acid with similar properties. This amino acid position is conserved. In addition, this alteration is predicted to be tolerated by in silico analysis. Based on the available evidence, the clinical significance of this variant remains unclear.